The following is an entry in ClinVar:

ClinVar aggregate classification (germline): Uncertain significance (1 of 4 stars; one submission).

Submission:

GeneDx
Classification: Uncertain significance. Last evaluated: 2024-11-25. Review status: criteria provided, single submitter. Criteria: GeneDx Variant Classification Process June 2021. Collection method: clinical testing. Allele origin: germline. Affected: yes.
Comment: Has not been previously published as pathogenic or benign to our knowledge; Not observed at significant frequency in large population cohorts (gnomAD); In silico analysis indicates that this missense variant does not alter protein structure/function

NM_000061.3(BTK):c.1483A>T (p.Thr495Ser)

Gene: BTK (Bruton tyrosine kinase; minus strand). Cytogenetic location: Xq22.1.
Variant type: single nucleotide variant.
Coding change: c.1483A>T on transcript NM_000061.3 (MANE Select); coding-DNA position 1483, A replaced by T.
Protein change: p.Thr495Ser; replaces threonine 495 with serine.
Molecular consequence: missense variant. On other transcripts: intron variant (1).
Genome position (GRCh38, 1-based): chrX:101,356,135, T>A on the plus strand (A>T on the coding strand, the complement: BTK is on the minus strand). VCF-style: chrX-101356135-T-A. GRCh37 (hg19) VCF-style: chrX-100611123-T-A.
Other names: c.1585A>T, p.Thr529Ser (NM_001287344.2); c.1039-1441A>T (NM_001287345.2); short protein forms T495S, T529S.
Identifiers: ClinVar variation 3900170 (VCV003900170.1).